The following is an entry in ClinVar:

NM_000236.3(LIPC):c.693C>T (p.Ser231=)

Gene: LIPC (lipase C, hepatic type; plus strand). Cytogenetic location: 15q21.3.
Variant type: single nucleotide variant.
Coding change: c.693C>T on transcript NM_000236.3 (MANE Select); coding-DNA position 693, C replaced by T.
Protein change: p.Ser231=; no amino-acid change (serine 231 retained).
Molecular consequence: synonymous variant.
Genome position (GRCh38, 1-based): chr15:58,545,860, C>T. VCF-style: chr15-58545860-C-T. GRCh37 (hg19) VCF-style: chr15-58838059-C-T.
Identifiers: ClinVar variation 3049407 (VCV003049407.2), dbSNP rs939351730, ClinGen allele CA490483549.

ClinVar aggregate classification (germline): Likely benign (0 of 4 stars; one submission).

Conditions:
LIPC-related disorder. Also called: LIPC-related condition.

Allele frequency attached by ClinVar (database versions not stated): gnomAD exomes below 0.00001.
gnomAD v4.1: 2 of 1,614,094 alleles (0.00012%); highest among the groups gnomAD compares: East Asian, 0.0022%; no homozygotes.

Submission:

PreventionGenetics, part of Exact Sciences
Classification: Likely benign for LIPC-related condition. Last evaluated: 2019-07-12. Review status: no assertion criteria provided. Collection method: clinical testing. Allele origin: germline.
Comment: This variant is classified as likely benign based on ACMG/AMP sequence variant interpretation guidelines (Richards et al. 2015 PMID: 25741868, with internal and published modifications).